The following is an entry in ClinVar:

NM_003801.4(GPAA1):c.319_320del (p.Ser107fs)

Gene: GPAA1 (glycosylphosphatidylinositol anchor attachment 1; plus strand). Cytogenetic location: 8q24.3.
Variant type: Microsatellite.
Coding change: c.319_320del on transcript NM_003801.4 (MANE Select); coding-DNA positions 319 to 320, 2 bases deleted (AG; older notation c.319_320delAG).
Protein change: p.Ser107fs; shifts the reading frame from serine 107.
Molecular consequence: frameshift variant.
Genome position (GRCh38, 1-based): chr8:144,083,453-144,083,454, AG deleted; deleting any 2 consecutive bases within chr8:144,083,451-144,083,454 gives the same sequence; the c. name uses the placement nearest the transcript's 3' end. VCF-style (leftmost placement, unchanged base first): chr8-144083450-CAG-C. GRCh37 (hg19) VCF-style: chr8-145138353-CAG-C.
Other names: short protein forms S107fs.
Identifiers: ClinVar variation 1028657 (VCV001028657.3), dbSNP rs1835941699, ClinGen allele CA1826129697.
Genomic context (GRCh38, chr8:144,083,450, plus strand): 5'-GCTCTGCCAGTGGCCTGGCTTGAACGGACGATGCGGTCAGTAGGGCTGGAGGTCTACACG[CAG>C]AGTTTCTCCCGGAAACTGCCCTTCCCAGATGAGACCCACGAGCGCTATGTACTGGGGGAG-3'

ClinVar aggregate classification (germline): Pathogenic. Review status: criteria provided, multiple submitters, no conflicts (2 of 4 stars). 2 submissions from 2 submitters: Pathogenic (2). Last evaluated 2024-08-24.

Conditions:
Glycosylphosphatidylinositol biosynthesis defect 15. Also called: DEVELOPMENTAL DELAY, EPILEPSY, CEREBELLAR ATROPHY, AND OSTEOPENIA. Identifiers: Orphanet 529665, MedGen C4540520, MONDO:0060627, OMIM 617810.

Submissions (2):

Labcorp Genetics (formerly Invitae), Labcorp
Classification: Pathogenic. Last evaluated: 2024-08-24. Review status: criteria provided, single submitter. Criteria: Invitae Variant Classification Sherloc (09022015). Collection method: clinical testing. Allele origin: germline.
Comment: This sequence change creates a premature translational stop signal (p.Ser107Phefs*10) in the GPAA1 gene. It is expected to result in an absent or disrupted protein product. Loss-of-function variants in GPAA1 are known to be pathogenic (PMID: 29100095). This variant is not present in population databases (gnomAD no frequency). This variant has not been reported in the literature in individuals affected with GPAA1-related conditions. ClinVar contains an entry for this variant (Variation ID: 1028657). Algorithms developed to predict the effect of sequence changes on RNA splicing suggest that this variant may disrupt the consensus splice site. For these reasons, this variant has been classified as Pathogenic.

Baylor Genetics
Classification: Pathogenic for Glycosylphosphatidylinositol biosynthesis defect 15. Last evaluated: 2019-05-04. Review status: criteria provided, single submitter. Criteria: ACMG Guidelines, 2015. Collection method: clinical testing. Allele origin: paternal. Affected: yes.
Comment: This variant was determined to be pathogenic according to ACMG Guidelines, 2015 [PMID:25741868].

Literature cited by the submitters: PubMed 29100095 (cited by Labcorp Genetics (formerly Invitae), Labcorp).